The following is an entry in ClinVar:

NM_000180.4(GUCY2D):c.1482G>A (p.Met494Ile)

Gene: GUCY2D (guanylate cyclase 2D, retinal; plus strand). Cytogenetic location: 17p13.1.
Variant type: single nucleotide variant.
Coding change: c.1482G>A on transcript NM_000180.4 (MANE Select); coding-DNA position 1482, G replaced by A.
Protein change: p.Met494Ile; replaces methionine 494 with isoleucine.
Molecular consequence: missense variant.
Genome position (GRCh38, 1-based): chr17:8,007,444, G>A. VCF-style: chr17-8007444-G-A. GRCh37 (hg19) VCF-style: chr17-7910762-G-A.
Other names: short protein forms M494I.
Identifiers: ClinVar variation 1349912 (VCV001349912.8), dbSNP rs2151800878, ClinGen allele CA397949112.

ClinVar aggregate classification (germline): Uncertain significance (1 of 4 stars; one submission).

Conditions:
Cone-rod dystrophy 6 (CORD6). Also called: RETINAL CONE DYSTROPHY 2; Cone dystrophy progressive. Identifiers: Orphanet 1872, MedGen C1866293, MONDO:0011143, OMIM 601777.
Leber congenital amaurosis 1 (LCA1). Also called: RETINAL BLINDNESS, CONGENITAL; AMAUROSIS CONGENITA OF LEBER I; Congenital absence of the rods and cones; Leber's congenital tapetoretinal degeneration; Leber's congenital tapetoretinal dysplasia. Identifiers: Orphanet 65, MedGen C2931258, MONDO:0008764, OMIM 204000.

gnomAD v4.1: 1 of 1,612,912 alleles (0.000062%); no homozygotes.

Submission:

Labcorp Genetics (formerly Invitae), Labcorp
Classification: Uncertain significance for Leber congenital amaurosis 1; Cone-rod dystrophy 6. Last evaluated: 2025-04-16. Review status: criteria provided, single submitter. Criteria: Invitae Variant Classification Sherloc (09022015). Collection method: clinical testing. Allele origin: germline.
Comment: This sequence change replaces methionine, which is neutral and non-polar, with isoleucine, which is neutral and non-polar, at codon 494 of the GUCY2D protein (p.Met494Ile). This variant is not present in population databases (gnomAD no frequency). This variant has not been reported in the literature in individuals affected with GUCY2D-related conditions. ClinVar contains an entry for this variant (Variation ID: 1349912). Invitae Evidence Modeling of protein sequence and biophysical properties (such as structural, functional, and spatial information, amino acid conservation, physicochemical variation, residue mobility, and thermodynamic stability) indicates that this missense variant is not expected to disrupt GUCY2D protein function with a negative predictive value of 80%. In summary, the available evidence is currently insufficient to determine the role of this variant in disease. Therefore, it has been classified as a Variant of Uncertain Significance.